The following is an entry in ClinVar:

ClinVar aggregate classification (germline): Likely pathogenic (0 of 4 stars; one submission).

Conditions:
MYO7A-related disorder. Also called: MYO7A-related disorders.

Submission:

PreventionGenetics, part of Exact Sciences
Classification: Likely pathogenic for MYO7A-related condition. Last evaluated: 2024-08-26. Review status: no assertion criteria provided. Collection method: clinical testing. Allele origin: germline.
Comment: The MYO7A c.2858C>A variant is predicted to result in premature protein termination (p.Ser953*). To our knowledge, this variant has not been reported in the literature or in a large population database, indicating this variant is rare. Nonsense variants in MYO7A are expected to be pathogenic. This variant is interpreted as likely pathogenic.

NM_000260.4(MYO7A):c.2858C>A (p.Ser953Ter)

Gene: MYO7A (myosin VIIA; plus strand). Cytogenetic location: 11q13.5.
Variant type: single nucleotide variant.
Coding change: c.2858C>A on transcript NM_000260.4 (MANE Select); coding-DNA position 2858, C replaced by A.
Protein change: p.Ser953Ter; replaces serine 953 with a stop codon.
Molecular consequence: nonsense.
Genome position (GRCh38, 1-based): chr11:77,181,543, C>A. VCF-style: chr11-77181543-C-A. GRCh37 (hg19) VCF-style: chr11-76892589-C-A.
Other names: c.2858C>A, p.Ser953Ter (NM_001127180.2); c.2825C>A, p.Ser942Ter (NM_001369365.1); short protein forms S942*, S953*.
Identifiers: ClinVar variation 3344717 (VCV003344717.1).
Genomic context (GRCh38, chr11:77,181,543, plus strand): 5'-GCCATGAGCCTGTCAATCACTCAGACATGGTGGACAAGATGTTTGGCTTCCTGGGGACTT[C>A]AGGTGGCCTGCCAGGCCAGGAGGGCCAGGCACCTAGTGGCTTTGAGGTACCAGGCTAGGG-3'